The following is an entry in ClinVar:

ClinVar aggregate classification (germline): Uncertain significance (1 of 4 stars; one submission).

Allele frequency attached by ClinVar (database versions not stated): TOPMed below 0.00001; gnomAD 0.00001; gnomAD exomes 0.00002 and 0.00006; ExAC 0.00006.
gnomAD v4.1: 16 of 1,613,964 alleles (0.00099%); highest among the groups gnomAD compares: Admixed American, 0.023%; 1 homozygote.

Submission:

Labcorp Genetics (formerly Invitae), Labcorp
Classification: Uncertain significance. Last evaluated: 2025-12-22. Review status: criteria provided, single submitter. Criteria: Invitae Variant Classification Sherloc (09022015). Collection method: clinical testing. Allele origin: germline.
Comment: This sequence change replaces glutamic acid, which is acidic and polar, with glycine, which is neutral and non-polar, at codon 489 of the ANKH protein (p.Glu489Gly). This variant is present in population databases (rs755828120, gnomAD 0.03%). This variant has not been reported in the literature in individuals affected with ANKH-related conditions. ClinVar contains an entry for this variant (Variation ID: 1380251). An algorithm developed to predict the effect of missense changes on protein structure and function (PolyPhen-2) suggests that this variant is likely to be tolerated. Algorithms developed to predict the effect of sequence changes on RNA splicing suggest that this variant may create or strengthen a splice site. In summary, the available evidence is currently insufficient to determine the role of this variant in disease. Therefore, it has been classified as a Variant of Uncertain Significance.

NM_054027.6(ANKH):c.1466A>G (p.Glu489Gly)

Genes: ANKH (ANKH inorganic pyrophosphate transport regulator; minus strand), OTULIN (OTU deubiquitinase with linear linkage specificity; plus strand). Cytogenetic location: 5p15.2.
Variant type: single nucleotide variant.
Coding change: c.1466A>G on transcript NM_054027.6 (MANE Select); coding-DNA position 1466, A replaced by G.
Protein change: p.Glu489Gly; replaces glutamic acid 489 with glycine.
Molecular consequence: missense variant.
Genome position (GRCh38, 1-based): chr5:14,711,210, T>C on the plus strand (A>G on the coding strand, the complement: ANKH is on the minus strand). VCF-style: chr5-14711210-T-C. GRCh37 (hg19) VCF-style: chr5-14711319-T-C.
Other names: short protein forms E489G.
Identifiers: ClinVar variation 1380251 (VCV001380251.6), dbSNP rs755828120, ClinGen allele CA3208767.